The following is an entry in ClinVar:

NM_001848.3(COL6A1):c.1525-60A>G

Gene: COL6A1 (collagen type VI alpha 1 chain; plus strand). Cytogenetic location: 21q22.3.
Variant type: single nucleotide variant.
Coding change: c.1525-60A>G on transcript NM_001848.3 (MANE Select); 60 bases into the intron before coding-DNA position 1525, A replaced by G.
Molecular consequence: intron variant.
Genome position (GRCh38, 1-based): chr21:45,998,061, A>G. VCF-style: chr21-45998061-A-G. GRCh37 (hg19) VCF-style: chr21-47417975-A-G.
Identifiers: ClinVar variation 93822 (VCV000093822.6), dbSNP rs3737437, ClinGen allele CA147335.

ClinVar aggregate classification (germline): Benign. Review status: criteria provided, multiple submitters, no conflicts (2 of 4 stars). 3 submissions from 3 submitters: Benign (3). Last evaluated 2018-06-14.

Allele frequency attached by ClinVar (database versions not stated): ESP Exome Variant Server 0.88207; gnomAD 0.89123 and 0.89527; 1000 Genomes Project 0.88339; 1000 Genomes Project 30x 0.88601; TOPMed 0.89682.
gnomAD v4.1: 1,379,088 of 1,594,584 alleles (86%); highest among the groups gnomAD compares: African/African-American, 96%; 597,453 homozygotes.

Submissions (3):

GeneDx
Classification: Benign. Last evaluated: 2018-06-14. Review status: criteria provided, single submitter. Criteria: GeneDx Variant Classification (06012015). Collection method: clinical testing. Allele origin: germline. Affected: yes.
Comment: This variant is considered likely benign or benign based on one or more of the following criteria: it is a conservative change, it occurs at a poorly conserved position in the protein, it is predicted to be benign by multiple in silico algorithms, and/or has population frequency not consistent with disease.

Eurofins Ntd Llc (ga)
Classification: Benign. Last evaluated: 2012-08-24. Review status: criteria provided, single submitter. Criteria: EGL Classification Definitions 2015. Collection method: clinical testing. Allele origin: germline. Observed: 1 variant allele, 1 heterozygote.

Breakthrough Genomics
Classification: Benign. Review status: criteria provided, single submitter. Criteria: ACMG Guidelines, 2015. Collection method: not provided. Allele origin: germline. Inheritance: Autosomal recessive inheritance. Affected: yes.